The following is an entry in ClinVar:

NM_000077.5(CDKN2A):c.123G>A (p.Pro41=)

Gene: CDKN2A (cyclin dependent kinase inhibitor 2A; minus strand). Cytogenetic location: 9p21.3.
Variant type: single nucleotide variant.
Coding change: c.123G>A on transcript NM_000077.5; coding-DNA position 123, G replaced by A.
Protein change: p.Pro41=; no amino-acid change (proline 41 retained).
Molecular consequence: synonymous variant (on NM_000077.6). On other transcripts: intron variant (2).
Genome position (GRCh38, 1-based): chr9:21,974,705, C>T on the plus strand (G>A on the coding strand, the complement: CDKN2A is on the minus strand). VCF-style: chr9-21974705-C-T. GRCh37 (hg19) VCF-style: chr9-21974704-C-T.
Other names: c.123G>A, p.Pro41= (NM_000077.6, NM_001195132.2, NM_058197.5); c.-3-3497G>A (NM_001363763.2); c.194-3497G>A (NM_058195.4).
Identifiers: ClinVar variation 923492 (VCV000923492.14), dbSNP rs754366579, ClinGen allele CA5012311.

ClinVar aggregate classification (germline): Conflicting classifications of pathogenicity. Review status: criteria provided, conflicting classifications (1 of 4 stars). 4 submissions from 4 submitters: Uncertain significance (1); Benign (1); Likely benign (2). Last evaluated 2025-08-13.

Conditions:
Familial melanoma. Also called: Hereditary melanoma; Hereditary cutaneous melanoma. Identifiers: Orphanet 618, MedGen C1512419, MONDO:0018961.
Melanoma-pancreatic cancer syndrome. Identifiers: Orphanet 404560, MedGen C1838547, MONDO:0011713, OMIM 606719. Disease mechanism: loss of function.
Hereditary cancer-predisposing syndrome. Also called: Tumor predisposition; Neoplastic Syndromes, Hereditary; Hereditary neoplastic syndrome; Hereditary Cancer Syndrome. Identifiers: Orphanet 140162, MedGen C0027672, MeSH D009386, MONDO:0015356.

Allele frequency attached by ClinVar (database versions not stated): gnomAD exomes below 0.00001; ExAC 0.00001.
gnomAD v4.1: 1 of 1,613,342 alleles (0.000062%); highest among the groups gnomAD compares: South Asian, 0.0011%; no homozygotes.

Submissions (4):

Myriad Genetics, Inc.
Classification: Benign for Melanoma-pancreatic cancer syndrome. Last evaluated: 2025-08-13. Review status: criteria provided, single submitter. Criteria: Myriad Autosomal Dominant, Autosomal Recessive and X-Linked Classification Criteria (2023). Collection method: clinical testing. Allele origin: unknown.
Comment: This variant is considered benign. This variant is a silent/synonymous amino acid change and it is not expected to impact splicing.

Labcorp Genetics (formerly Invitae), Labcorp
Classification: Likely benign for Familial melanoma. Last evaluated: 2020-08-25. Review status: criteria provided, single submitter. Criteria: Invitae Variant Classification Sherloc (09022015). Collection method: clinical testing. Allele origin: germline.

Ambry Genetics
Classification: Likely benign for Hereditary cancer-predisposing syndrome. Last evaluated: 2020-03-18. Review status: criteria provided, single submitter. Criteria: Ambry Variant Classification Scheme 2023. Collection method: clinical testing. Allele origin: germline.

Color Diagnostics, LLC DBA Color Health
Classification: Uncertain significance for Hereditary cancer-predisposing syndrome. Last evaluated: 2019-06-27. Review status: criteria provided, single submitter. Criteria: ACMG Guidelines, 2015. Collection method: clinical testing. Allele origin: germline.